The following is an entry in ClinVar:

ClinVar aggregate classification (germline): Uncertain significance (1 of 4 stars; one submission).

Conditions:
Hereditary cancer-predisposing syndrome. Also called: Neoplastic Syndromes, Hereditary; Tumor predisposition; Hereditary Cancer Syndrome; Hereditary neoplastic syndrome. Identifiers: Orphanet 140162, MedGen C0027672, MeSH D009386, MONDO:0015356.

Submission:

Ambry Genetics
Classification: Uncertain significance for Hereditary cancer-predisposing syndrome. Last evaluated: 2026-01-29. Review status: criteria provided, single submitter. Criteria: Ambry Variant Classification Scheme 2023. Collection method: clinical testing. Allele origin: germline.
Comment: The p.L896V variant (also known as c.2686C>G), located in coding exon 19 of the TSC1 gene, results from a C to G substitution at nucleotide position 2686. The leucine at codon 896 is replaced by valine, an amino acid with highly similar properties. This amino acid position is well conserved in available vertebrate species. In addition, this alteration is predicted to be tolerated by in silico analysis. Based on the available evidence, the clinical significance of this variant remains unclear.

NM_000368.5(TSC1):c.2686C>G (p.Leu896Val)

Gene: TSC1 (TSC complex subunit 1; minus strand). Cytogenetic location: 9q34.13.
Variant type: single nucleotide variant.
Coding change: c.2686C>G on transcript NM_000368.5 (MANE Select); coding-DNA position 2686, C replaced by G.
Protein change: p.Leu896Val; replaces leucine 896 with valine.
Molecular consequence: missense variant. On other transcripts: non-coding transcript variant (5).
Genome position (GRCh38, 1-based): chr9:132,897,550, G>C on the plus strand (C>G on the coding strand, the complement: TSC1 is on the minus strand). VCF-style: chr9-132897550-G-C. GRCh37 (hg19) VCF-style: chr9-135772937-G-C.
Other names: c.2686C>G, p.Leu896Val (NM_001406592.1, NM_001406593.1, NM_001406594.1 and 2 more transcripts); c.2683C>G, p.Leu895Val (NM_001406597.1, NM_001162426.2, NM_001406598.1 and 2 more transcripts); c.2533C>G, p.Leu845Val (NM_001162427.2, NM_001406610.1); c.2323C>G, p.Leu775Val (NM_001362177.2, NM_001406617.1, NM_001406618.1 and 4 more transcripts); c.2671C>G, p.Leu891Val (NM_001406601.1, NM_001406602.1); c.2668C>G, p.Leu890Val (NM_001406603.1, NM_001406604.1); c.2644C>G, p.Leu882Val (NM_001406605.1, NM_001406606.1, NM_001406607.1); c.2320C>G, p.Leu774Val (NM_001406620.1, NM_001406621.1, NM_001406622.1 and 1 more transcripts); and 8 more; short protein forms L578V, L881V, L882V, L545V, L579V, L760V, L844V, L845V.
Identifiers: ClinVar variation 4844227 (VCV004844227.1).